The following is an entry in ClinVar:

NM_001101.5(ACTB):c.783C>G (p.Leu261=)

Gene: ACTB (actin beta; minus strand). Cytogenetic location: 7p22.1.
Variant type: single nucleotide variant.
Coding change: c.783C>G on transcript NM_001101.5 (MANE Select); coding-DNA position 783, C replaced by G.
Protein change: p.Leu261=; no amino-acid change (leucine 261 retained).
Molecular consequence: synonymous variant.
Genome position (GRCh38, 1-based): chr7:5,528,300, G>C on the plus strand (C>G on the coding strand, the complement: ACTB is on the minus strand). VCF-style: chr7-5528300-G-C. GRCh37 (hg19) VCF-style: chr7-5567931-G-C.
Other names: c.783C>G (LRG_132t1).
Identifiers: ClinVar variation 389760 (VCV000389760.3), dbSNP rs1057523531, ClinGen allele CA16605228.

ClinVar aggregate classification (germline): Likely benign. Review status: criteria provided, multiple submitters, no conflicts (2 of 4 stars). 2 submissions from 2 submitters: Likely benign (2). Last evaluated 2024-04-25.

Conditions:
Baraitser-Winter syndrome 1 (BRWS1). Also called: BARAITSER-WINTER SYNDROME 1, ATYPICAL; PACHYGYRIA, MENTAL RETARDATION, EPILEPSY, AND CHARACTERISTIC FACIES; MENTAL RETARDATION WITH EPILEPSY AND CHARACTERISTIC FACIES; Cerebrofrontofacial syndrome. Identifiers: Orphanet 2649, Orphanet 2995, MedGen C1855722, MONDO:0009470, OMIM 243310.

Submissions (2):

Labcorp Genetics (formerly Invitae), Labcorp
Classification: Likely benign for Baraitser-Winter syndrome 1. Last evaluated: 2024-04-25. Review status: criteria provided, single submitter. Criteria: Invitae Variant Classification Sherloc (09022015). Collection method: clinical testing. Allele origin: germline.

GeneDx
Classification: Likely benign. Last evaluated: 2016-10-07. Review status: criteria provided, single submitter. Criteria: GeneDx Variant Classification (06012015). Collection method: clinical testing. Allele origin: germline. Affected: yes.
Comment: This variant is considered likely benign or benign based on one or more of the following criteria: it is a conservative change, it occurs at a poorly conserved position in the protein, it is predicted to be benign by multiple in silico algorithms, and/or has population frequency not consistent with disease.